The following is an entry in ClinVar:

NM_181523.3(PIK3R1):c.451A>G (p.Arg151Gly)

Gene: PIK3R1 (phosphoinositide-3-kinase regulatory subunit 1; plus strand). Cytogenetic location: 5q13.1.
Variant type: single nucleotide variant.
Coding change: c.451A>G on transcript NM_181523.3 (MANE Select); coding-DNA position 451, A replaced by G.
Protein change: p.Arg151Gly; replaces arginine 151 with glycine.
Molecular consequence: missense variant.
Genome position (GRCh38, 1-based): chr5:68,273,962, A>G. VCF-style: chr5-68273962-A-G. GRCh37 (hg19) VCF-style: chr5-67569790-A-G.
Other names: short protein forms R151G.
Identifiers: ClinVar variation 2940098 (VCV002940098.3), dbSNP rs2530930857, ClinGen allele CA359872932.

ClinVar aggregate classification (germline): Uncertain significance (1 of 4 stars; one submission).

Conditions:
SHORT syndrome. Also called: LIPODYSTROPHY, PARTIAL, WITH RIEGER ANOMALY AND SHORT STATURE; PIK3R1-Related SHORT Syndrome; SHORT STATURE, HYPEREXTENSIBILITY, HERNIA, OCULAR DEPRESSION, RIEGER ANOMALY, AND TEETHING DELAY. Identifiers: Orphanet 3163, MedGen C0878684, MONDO:0010026, OMIM 269880.
Agammaglobulinemia 7, autosomal recessive (AGM7). Also called: AGAMMAGLOBULINEMIA, AUTOSOMAL RECESSIVE, DUE TO PIK3R1 DEFECT. Identifiers: MedGen C3554689, MONDO:0014083, OMIM 615214.
Immunodeficiency 36 with lymphoproliferation. Also called: Immunodeficiency 36; ACTIVATED PI3K-DELTA SYNDROME 2; Activated PI3K Delta Syndrome Type 2 (APDS2). Identifiers: Orphanet 397596, Orphanet 693681, MedGen C4014934, MONDO:0014453, OMIM 616005.

Allele frequency attached by ClinVar (database versions not stated): gnomAD exomes below 0.00001.
gnomAD v4.1: 1 of 1,614,044 alleles (0.000062%); highest among the groups gnomAD compares: Admixed American, 0.0017%; no homozygotes.

Submission:

Labcorp Genetics (formerly Invitae), Labcorp
Classification: Uncertain significance for SHORT syndrome; Immunodeficiency 36 with lymphoproliferation; Agammaglobulinemia 7, autosomal recessive. Last evaluated: 2024-06-17. Review status: criteria provided, single submitter. Criteria: Invitae Variant Classification Sherloc (09022015). Collection method: clinical testing. Allele origin: germline.
Comment: This sequence change replaces arginine, which is basic and polar, with glycine, which is neutral and non-polar, at codon 151 of the PIK3R1 protein (p.Arg151Gly). This variant is not present in population databases (gnomAD no frequency). This variant has not been reported in the literature in individuals affected with PIK3R1-related conditions. An algorithm developed to predict the effect of missense changes on protein structure and function (PolyPhen-2) suggests that this variant is likely to be tolerated. In summary, the available evidence is currently insufficient to determine the role of this variant in disease. Therefore, it has been classified as a Variant of Uncertain Significance.